The following is an entry in ClinVar:

ClinVar aggregate classification (germline): Pathogenic/Likely pathogenic. Review status: criteria provided, multiple submitters, no conflicts (2 of 4 stars). 24 submissions from 22 submitters: Pathogenic (19); Likely pathogenic (1). 4 of the submissions do not count toward it. Last evaluated 2026-06-09.

Conditions:
WT1-related disorder. Also called: WT1-related disorders. Identifiers: MedGen CN377814.
Inborn genetic diseases. Identifiers: MedGen C0950123, MeSH D030342.
Wilms tumor 1 (WT1). Also called: Wilms tumor, somatic. Identifiers: Orphanet 654, MedGen CN033288, MONDO:0008679, OMIM 194070.
11p partial monosomy syndrome (WAGR). Also called: CHROMOSOME 11p13 DELETION SYNDROME; WAGR Spectrum Disorder; WAGR syndrome; WAGR Complex. Identifiers: Orphanet 893, MedGen C0206115, MONDO:0008681, OMIM 194072.
Frasier syndrome. Identifiers: Orphanet 347, MedGen C0950122, MeSH D052159, MONDO:0007635, OMIM 136680.
Drash syndrome (DDS). Also called: WILMS TUMOR AND PSEUDO- OR TRUE HERMAPHRODITISM; NEPHROPATHY, WILMS TUMOR, AND GENITAL ANOMALIES. Identifiers: Orphanet 220, MedGen C0950121, MONDO:0008682, OMIM 194080.
Mesothelioma, malignant (MESOM). Also called: Malignant mesothelioma (disease). Identifiers: Orphanet 50251, MedGen C0345967, MONDO:0006292, OMIM 156240, HP:0100001.
Meacham syndrome. Also called: Meacham Winn Culler syndrome. Identifiers: Orphanet 3097, MedGen C1837026, MONDO:0012164, OMIM 608978.
Nephrotic syndrome, type 4 (NPHS4). Also called: Familial mesangial sclerosis; Nephrotic syndrome, early onset with diffuse mesangial sclerosis. Identifiers: Orphanet 656, MedGen C3151568, MONDO:0009733, OMIM 256370.

Submissions 1 to 8 of 24:

PreventionGenetics, part of Exact Sciences
Classification: Pathogenic for WT1-related condition. Last evaluated: 2026-06-09. Review status: criteria provided, single submitter. Criteria: ACMG Guidelines, 2015. Collection method: clinical testing. Allele origin: germline.
Comment: The WT1 c.1432+5G>A variant is predicted to interfere with splicing. This variant is also referred to as c.1447+5G>A (NM_024426.6), IVS9+5G>A (NM_024426.4 and previous versions), c.745+5G>A (NM_001198552.1), 1228+5G>A (Pelletier et al. 1991. PMID: 1655284), and KTS-splice variant. This variant has been reported in multiple individuals with Frasier syndrome, focal segmental glomerulosclerosis, and/or early-onset nephrotic syndrome (Mucha et al. 2006. PubMed ID: 16439601; Li et al. 2010. PubMed ID: 20442690; Lipska et al. 2013. PubMed ID: 23515051; Table S3 and S13, Wang et al. 2019. PubMed ID: 31308072). Of note, this variant has also been reported in individuals with suspected Denys-Drash syndrome; however, the diagnosis was questioned in those reports (Klamt et al. 1998. PubMed ID: 9499425; Bruening et al. 1992. PubMed ID: 1302008; Denamur et al. 1999. PubMed ID: 10505700). In vitro functional studies indicate that this variant results in defective splicing (Bruening et al. 1992. PubMed ID: 1302008; Klamt et al. 1998. PubMed ID: 9499425; Li et al. 2007. PubMed ID: 17694336). This variant has not been reported in a large population database (gnomAD), indicating this variant is rare, and it is consistently classified as pathogenic by several submitters to the ClinVar database (Variation ID: 3493). This variant is interpreted as pathogenic.

Dasa
Classification: Pathogenic. Last evaluated: 2026-04-24. Review status: criteria provided, single submitter. Criteria: DASA Assertion Criteria. Collection method: clinical testing. Allele origin: germline.
Comment: NM_024426.6(WT1):c.1447+5G>A is a splice-region variant predicted to affect normal RNA splicing. This variant results in the same amino acid change as a previously established pathogenic variant. De novo occurrence has been reported in an individual with related phenotype. Segregation evidence has been reported in affected families. Functional evidence supports a deleterious effect on the gene or gene product (PMID: 9499425; PMID: 17576681; PMID: 20442690; PMID: 27719739). This variant has been recurrently observed in individuals with related phenotype (PMID: 9499425; PMID: 17576681; PMID: 20442690; PMID: 27719739). Multiple computational predictions support a deleterious effect on the gene or gene product. The variant is present at low frequency in population datasets. Based on the available data, this variant is classified as pathogenic.

3billion
Classification: Likely pathogenic for WT1-related disorder. Last evaluated: 2025-12-18. Review status: criteria provided, single submitter. Criteria: ACMG Guidelines, 2015. Collection method: clinical testing. Allele origin: germline. Affected: yes.
Comment: The variant is not observed in the gnomAD v4.1.0 dataset. Predicted Consequence/Location: Intron variant In silico tools predict the variant to alter splicing and produce an abnormal transcript [SpliceAI: 0.83 (>=0.2, moderate evidence for spliceogenicity)]. The variant has been reported at least twice as pathogenic with clinical assertions and evidence for the classification (ClinVar ID: VCV000003493 /PMID: 1302008 /3billion dataset). Therefore, this variant is classified as Likely pathogenic according to the recommendation of ACMG/AMP guideline.

Ambry Genetics
Classification: Pathogenic for Inborn genetic diseases. Last evaluated: 2025-06-13. Review status: criteria provided, single submitter. Criteria: Ambry Variant Classification Scheme 2023. Collection method: clinical testing. Allele origin: germline.
Comment: The c.1432+5G>A intronic variant results from a G to A substitution 5 nucleotides after coding exon 9 in the WT1 gene. This variant was reported in individual(s) with features consistent with Frasier syndrome and steroid-resistant nephrotic syndrome; and was determined to be de novo in multiple individuals (Bruening W et al. Nat Genet, 1992 May;1:144-8; Li J et al. Pediatr Nephrol, 2007 Dec;22:2133-6; Li J et al. Pediatr Res, 2010 Aug;68:155-8; Megremis S et al. Eur J Pediatr, 2011 Dec;170:1529-34; Koziell A et al. Clin Endocrinol (Oxf), 2000 Apr;52:519-24). (Lee JH et al. Am J Kidney Dis, 2011 Dec;58:1042-3; Guaragna MS et al. Arq Bras Endocrinol Metabol, 2012 Nov;56:525-32; Lipska BS et al. Kidney Int, 2013 Jul;84:206-13; Biczak-Kuleta A et al. Bosn J Basic Med Sci, 2014 May;14:89-93; Ukarapong S et al. Clin Nephrol, 2016 Dec;86 (2016):341-344; Wang F et al. Pediatr Nephrol, 2017 Jul;32:1181-1192; Sen ES et al. J Med Genet, 2017 Dec;54:795-804). This variant is considered to be rare based on population cohorts in the Genome Aggregation Database (gnomAD). This nucleotide position is highly conserved in available vertebrate species. In silico splice site analysis predicts that this alteration will weaken the native splice donor site. Based on the supporting evidence, this variant is interpreted as a disease-causing mutation.

Fulgent Genetics
Classification: Pathogenic for Frasier syndrome; Mesothelioma, malignant; Wilms tumor 1; Drash syndrome; Nephrotic syndrome, type 4; Meacham syndrome. Last evaluated: 2024-03-26. Review status: criteria provided, single submitter. Criteria: ACMG Guidelines, 2015. Collection method: clinical testing. Allele origin: germline.

Breakthrough Genomics
Classification: Pathogenic for Nephrotic syndrome, type 4. Last evaluated: 2024-03-14. Review status: criteria provided, single submitter. Criteria: ACMG Guidelines, 2015. Collection method: clinical testing. Allele origin: germline. Affected: yes.
Comment: This variant lies in the splice donor site, in intron 9 of the WT1 gene. In silico splice prediction tools (ASSP and NNSPLICE) predicted this variant to interfere with splicing. The variant (also known as 1228+5G>A and IVS9+5G>A) has been reported in the in multiple individuals with Frasier syndrome and/or early-onset nephrotic syndrome [PMID: 23515051, 1302008, 20442690]. In vitro functional studies indicate that this variant results in defective splicing resulting in disruption of the ratio of WT1 isoforms [PMID: 9499425].

Victorian Clinical Genetics Services, Murdoch Childrens Research Institute
Classification: Pathogenic for Frasier syndrome. Last evaluated: 2023-07-17. Review status: criteria provided, single submitter. Criteria: ACMG Guidelines, 2015. Collection method: clinical testing. Allele origin: germline. Inheritance: Autosomal dominant inheritance. Affected: yes.
Comment: Based on the classification scheme VCGS_Germline_v1.3.4, this variant is classified as Pathogenic. Following criteria are met: 0103 - Dominant negative and loss of function are known mechanisms of disease in this gene and are associated with Denys-Drash syndrome (MIM#194080), Frasier syndrome (MIM#136680), Meacham syndrome (MIM#608978) and nephrotic syndrome, type 4 (MIM#256370) (GeneReviews); and Wilms tumor, type 1 (MIM#194070), respectively. (I) 0107 - This gene is associated with autosomal dominant disease. It is noted that Denys-Drash syndrome (MIM#194080), Frasier syndrome (MIM#136680), Meacham syndrome (MIM#608978) and nephrotic syndrome, type 4 (MIM#256370) represent a phenotypic continuum (ClinGen Expert Panel). (I) 0210 - Splice site variant proven to affect splicing of the transcript with a known effect on protein sequence. Minigene assay and RT-PCR of cDNA obtained from gonadal tissue of an affected individual demonstrated aberrant splicing, leading to a reduction in +KTS isoform (PMIDs: 1302008, 9499425). (SP) 0251 - This variant is heterozygous. (I) 0301 - Variant is absent from gnomAD (both v2 and v3). (SP) 0505 - Abnormal splicing is predicted by in silico tools and affected nucleotide is highly conserved. (SP) 0801 - This variant has strong previous evidence of pathogenicity in unrelated individuals. It has been reported in individuals described as having Frasier syndrome and steroid-resistant nephrotic syndrome, type 4 , including de novo events (PMIDs: 16439601, 25623218; DECIPHER). It is also consistently classified as pathogenic by diagnostic laboratories in ClinVar. (SP) 1208 - Inheritance information for this variant is not currently available in this individual. (I) Legend: (SP) - Supporting pathogenic, (I) - Information, (SB) - Supporting benign

Clinical Genetics Laboratory, Skane University Hospital Lund
Classification: Pathogenic. Last evaluated: 2023-05-24. Review status: criteria provided, single submitter. Criteria: ACMG Guidelines, 2015. Collection method: clinical testing. Allele origin: germline. Affected: yes.

NM_024426.6(WT1):c.1447+5G>A

Gene: WT1 (WT1 transcription factor; minus strand). Cytogenetic location: 11p13.
Variant type: single nucleotide variant.
Coding change: c.1447+5G>A on transcript NM_024426.6 (MANE Select); 5 bases into the intron after coding-DNA position 1447, G replaced by A.
Molecular consequence: intron variant.
Genome position (GRCh38, 1-based): chr11:32,391,967, C>T on the plus strand (G>A on the coding strand, the complement: WT1 is on the minus strand). VCF-style: chr11-32391967-C-T. GRCh37 (hg19) VCF-style: chr11-32413513-C-T.
Other names: splice site; 1432+5G>A; IVS9+5G>A; IVS9DS, G-A, +5; c.1273+5G>A (NM_001407050.1); c.1315+14G>A (NM_001407047.1); c.1306+5G>A (NM_001407048.1); c.1303+699G>A (NM_001407049.1); and 9 more.
Identifiers: ClinVar variation 3493 (VCV000003493.45), dbSNP rs587776576, ClinGen allele CA016607.